The following is an entry in ClinVar:

NM_000090.4(COL3A1):c.1145C>T (p.Pro382Leu)

Gene: COL3A1 (collagen type III alpha 1 chain; plus strand). Cytogenetic location: 2q32.2.
Variant type: single nucleotide variant.
Coding change: c.1145C>T on transcript NM_000090.4 (MANE Select); coding-DNA position 1145, C replaced by T.
Protein change: p.Pro382Leu; replaces proline 382 with leucine.
Molecular consequence: missense variant.
Genome position (GRCh38, 1-based): chr2:188,993,455, C>T. VCF-style: chr2-188993455-C-T. GRCh37 (hg19) VCF-style: chr2-189858181-C-T.
Other names: short protein forms P382L.
Identifiers: ClinVar variation 4758321 (VCV004758321.1).

ClinVar aggregate classification (germline): Uncertain significance (1 of 4 stars; one submission).

Conditions:
Familial thoracic aortic aneurysm and aortic dissection (TAAD). Also called: Thoracic aortic aneurysms and dissections. Identifiers: Orphanet 91387, MedGen C4707243, MONDO:0019625.

Submission:

Color Diagnostics, LLC DBA Color Health
Classification: Uncertain significance for Familial thoracic aortic aneurysm and aortic dissection. Last evaluated: 2025-07-07. Review status: criteria provided, single submitter. Criteria: ACMG Guidelines, 2015. Collection method: clinical testing. Allele origin: germline.
Comment: This missense variant replaces proline with leucine at codon 382 of the COL3A1 protein. Computational prediction is inconclusive regarding the impact of this variant on protein structure and function. To our knowledge, functional studies have not been reported for this variant. This variant has not been reported in individuals affected with COL3A1-related disorders in the literature. This variant has not been identified in the general population by the Genome Aggregation Database (gnomAD). The available evidence is insufficient to determine the role of this variant in disease conclusively. Therefore, this variant is classified as a Variant of Uncertain Significance.